The following is an entry in ClinVar:

NM_001303457.2(TTI1):c.978C>T (p.Val326=)

Gene: TTI1 (TELO2 interacting protein 1; minus strand). Cytogenetic location: 20q11.23.
Variant type: single nucleotide variant.
Coding change: c.978C>T on transcript NM_001303457.2 (MANE Select); coding-DNA position 978, C replaced by T.
Protein change: p.Val326=; no amino-acid change (valine 326 retained).
Molecular consequence: synonymous variant.
Genome position (GRCh38, 1-based): chr20:38,012,839, G>A on the plus strand (C>T on the coding strand, the complement: TTI1 is on the minus strand). VCF-style: chr20-38012839-G-A. GRCh37 (hg19) VCF-style: chr20-36641241-G-A.
Other names: c.978C>T, p.Val326= (NM_014657.3).
Identifiers: ClinVar variation 4084497 (VCV004084497.8).

ClinVar aggregate classification (germline): Likely benign (1 of 4 stars; one submission).

Submission:

CeGaT Center for Human Genetics Tuebingen
Classification: Likely benign. Last evaluated: 2025-07-01. Review status: criteria provided, single submitter. Criteria: CeGaT Center For Human Genetics Tuebingen Variant Classification Criteria Version 2. Collection method: clinical testing. Allele origin: germline. Affected: yes. Observed: 1 variant allele.
Comment: TTI1: BP4, BP7